The following is an entry in ClinVar:

NM_024537.4(CARS2):c.1689G>A (p.Ala563=)

Gene: CARS2 (cysteinyl-tRNA synthetase 2, mitochondrial; minus strand). Cytogenetic location: 13q34.
Variant type: single nucleotide variant.
Coding change: c.1689G>A on transcript NM_024537.4 (MANE Select); coding-DNA position 1689, G replaced by A.
Protein change: p.Ala563=; no amino-acid change (alanine 563 retained).
Molecular consequence: synonymous variant. On other transcripts: non-coding transcript variant (2).
Genome position (GRCh38, 1-based): chr13:110,641,543, C>T on the plus strand (G>A on the coding strand, the complement: CARS2 is on the minus strand). VCF-style: chr13-110641543-C-T. GRCh37 (hg19) VCF-style: chr13-111293890-C-T.
Other names: c.903G>A, p.Ala301= (NM_001352252.2).
Identifiers: ClinVar variation 514773 (VCV000514773.10), dbSNP rs774357584, ClinGen allele CA7051553.

ClinVar aggregate classification (germline): Likely benign. Review status: criteria provided, multiple submitters, no conflicts (2 of 4 stars). 3 submissions from 3 submitters: Likely benign (3). Last evaluated 2025-11-12.

Conditions:
Combined oxidative phosphorylation defect type 27. Also called: Combined oxidative phosphorylation deficiency 27. Identifiers: Orphanet 477774, MedGen C5567608, MONDO:0014728, OMIM 616672.

Allele frequency attached by ClinVar (database versions not stated): ExAC 0.00002; gnomAD 0.00002; gnomAD exomes 0.00002; TOPMed 0.00005.
gnomAD v4.1: 43 of 1,613,044 alleles (0.0027%); highest among the groups gnomAD compares: Middle Eastern, 0.016%; no homozygotes.

Submissions (3):

Labcorp Genetics (formerly Invitae), Labcorp
Classification: Likely benign for Combined oxidative phosphorylation defect type 27. Last evaluated: 2025-11-12. Review status: criteria provided, single submitter. Criteria: Invitae Variant Classification Sherloc (09022015). Collection method: clinical testing. Allele origin: germline.

Blueprint Genetics
Classification: Likely benign. Last evaluated: 2021-12-03. Review status: criteria provided, single submitter. Criteria: ACMG Guidelines, 2015. Collection method: clinical testing. Allele origin: germline.

GeneDx
Classification: Likely benign. Last evaluated: 2018-01-08. Review status: criteria provided, single submitter. Criteria: GeneDx Variant Classification (06012015). Collection method: clinical testing. Allele origin: germline. Affected: yes.
Comment: This variant is considered likely benign or benign based on one or more of the following criteria: it is a conservative change, it occurs at a poorly conserved position in the protein, it is predicted to be benign by multiple in silico algorithms, and/or has population frequency not consistent with disease.